The following is an entry in ClinVar:

ClinVar aggregate classification (germline): Uncertain significance (1 of 4 stars; one submission).

Allele frequency attached by ClinVar (database versions not stated): gnomAD 0.00005; gnomAD exomes 0.00006; ExAC 0.00008; TOPMed 0.00011; 1000 Genomes Project 30x 0.00062.
gnomAD v4.1: 90 of 1,613,692 alleles (0.0056%); highest among the groups gnomAD compares: East Asian, 0.11%; no homozygotes.

Submission:

Labcorp Genetics (formerly Invitae), Labcorp
Classification: Uncertain significance. Last evaluated: 2022-07-07. Review status: criteria provided, single submitter. Criteria: Invitae Variant Classification Sherloc (09022015). Collection method: clinical testing. Allele origin: germline.
Comment: This sequence change replaces arginine, which is basic and polar, with histidine, which is basic and polar, at codon 591 of the CAPN1 protein (p.Arg591His). This variant is present in population databases (rs190935218, gnomAD 0.08%). This variant has not been reported in the literature in individuals affected with CAPN1-related conditions. Algorithms developed to predict the effect of missense changes on protein structure and function are either unavailable or do not agree on the potential impact of this missense change (SIFT: "Deleterious"; PolyPhen-2: "Probably Damaging"; Align-GVGD: "Class C0"). In summary, the available evidence is currently insufficient to determine the role of this variant in disease. Therefore, it has been classified as a Variant of Uncertain Significance.

NM_005186.4(CAPN1):c.1772G>A (p.Arg591His)

Gene: CAPN1 (calpain 1; plus strand). Cytogenetic location: 11q13.1.
Variant type: single nucleotide variant.
Coding change: c.1772G>A on transcript NM_005186.4 (MANE Select); coding-DNA position 1772, G replaced by A.
Protein change: p.Arg591His; replaces arginine 591 with histidine.
Molecular consequence: missense variant. On other transcripts: non-coding transcript variant (1).
Genome position (GRCh38, 1-based): chr11:65,209,365, G>A. VCF-style: chr11-65209365-G-A. GRCh37 (hg19) VCF-style: chr11-64976836-G-A.
Other names: c.1772G>A, p.Arg591His (NM_001198868.2, NM_001198869.2); c.1610G>A, p.Arg537His (NM_001198870.1); short protein forms R537H, R591H.
Identifiers: ClinVar variation 2175394 (VCV002175394.1), dbSNP rs190935218, ClinGen allele CA6093546.